The following is an entry in ClinVar:

ClinVar aggregate classification (germline): Uncertain significance. Review status: criteria provided, multiple submitters, no conflicts (2 of 4 stars). 2 submissions from 2 submitters: Uncertain significance (2). Last evaluated 2025-07-20.

Conditions:
Hypertrophic cardiomyopathy 9. Also called: Familial hypertrophic cardiomyopathy 9. Identifiers: MedGen C1861065, MONDO:0013412, OMIM 613765.
Myopathy, myofibrillar, 9, with early respiratory failure (MFM9). Also called: Hereditary myopathy with early respiratory failure; EDSTROM MYOPATHY; MYOPATHY, PROXIMAL, WITH EARLY RESPIRATORY MUSCLE INVOLVEMENT; Myopathy, distal, with early respiratory failure, autosomal dominant. Identifiers: Orphanet 178464, Orphanet 34521, MedGen C1863599, MONDO:0011362, OMIM 603689.
Tibial muscular dystrophy (TMD). Also called: UDD MYOPATHY; Tibial muscular dystrophy, tardive; Udd Distal Myopathy – Tibial Muscular Dystrophy. Identifiers: Orphanet 609, MedGen C1838244, MONDO:0010870, OMIM 600334.
Dilated cardiomyopathy 1G (CMD1G). Identifiers: Orphanet 154, MedGen C1858763, MONDO:0011400, OMIM 604145.
Autosomal recessive limb-girdle muscular dystrophy type 2J (LGMDR10). Also called: Limb-girdle muscular dystrophy, type 2J; MUSCULAR DYSTROPHY, LIMB-GIRDLE, AUTOSOMAL RECESSIVE 10. Identifiers: Orphanet 140922, MedGen C1837342, MONDO:0012127, OMIM 608807.
Early-onset myopathy with fatal cardiomyopathy (CMYO5). Also called: Salih Myopathy; CONGENITAL MYOPATHY 5 WITH CARDIOMYOPATHY. Identifiers: Orphanet 289377, MedGen C2673677, MONDO:0012714, OMIM 611705. Disease mechanism: loss of function.

Allele frequency attached by ClinVar (database versions not stated): gnomAD 0.00001; TOPMed 0.00003.
gnomAD v4.1: 3 of 1,613,740 alleles (0.00019%); highest among the groups gnomAD compares: African/African-American, 0.004%; no homozygotes.

Submissions (2):

Labcorp Genetics (formerly Invitae), Labcorp
Classification: Uncertain significance for Dilated cardiomyopathy 1G; Autosomal recessive limb-girdle muscular dystrophy type 2J. Last evaluated: 2025-07-20. Review status: criteria provided, single submitter. Criteria: Invitae Variant Classification Sherloc (09022015). Collection method: clinical testing. Allele origin: germline.
Comment: This sequence change replaces valine, which is neutral and non-polar, with aspartic acid, which is acidic and polar, at codon 33858 of the TTN protein (p.Val33858Asp). This variant is not present in population databases (gnomAD no frequency). This variant has not been reported in the literature in individuals affected with TTN-related conditions. ClinVar contains an entry for this variant (Variation ID: 1389718). Experimental studies and prediction algorithms are not available or were not evaluated, and the functional significance of this variant is currently unknown. This variant is located in the M band of TTN (PMID: 25589632). Non-truncating variants in this region may be relevant for neuromuscular disorders, but have not been definitively shown to cause cardiomyopathy (PMID: 23975875). In summary, the available evidence is currently insufficient to determine the role of this variant in disease. Therefore, it has been classified as a Variant of Uncertain Significance.

Fulgent Genetics
Classification: Uncertain significance for Tibial muscular dystrophy; Myopathy, myofibrillar, 9, with early respiratory failure; Dilated cardiomyopathy 1G; Autosomal recessive limb-girdle muscular dystrophy type 2J; Early-onset myopathy with fatal cardiomyopathy; Hypertrophic cardiomyopathy 9. Last evaluated: 2021-08-05. Review status: criteria provided, single submitter. Criteria: ACMG Guidelines, 2015. Collection method: clinical testing. Allele origin: unknown.

Literature cited by the submitters: PubMed 25589632 (cited by Labcorp Genetics (formerly Invitae), Labcorp); PubMed 23975875 (cited by Labcorp Genetics (formerly Invitae), Labcorp).

NM_001267550.2(TTN):c.101573T>A (p.Val33858Asp)

Genes: TTN (titin; minus strand), TTN-AS1 (TTN antisense RNA 1; plus strand). Cytogenetic location: 2q31.2.
Variant type: single nucleotide variant.
Coding change: c.101573T>A on transcript NM_001267550.2 (MANE Select); coding-DNA position 101573, T replaced by A.
Protein change: p.Val33858Asp; replaces valine 33858 with aspartic acid.
Molecular consequence: missense variant.
Genome position (GRCh38, 1-based): chr2:178,535,042, A>T on the plus strand (T>A on the coding strand, the complement: TTN is on the minus strand). VCF-style: chr2-178535042-A-T. GRCh37 (hg19) VCF-style: chr2-179399769-A-T.
Other names: c.96650T>A, p.Val32217Asp (NM_001256850.1); c.74378T>A, p.Val24793Asp (NM_003319.4); c.93869T>A, p.Val31290Asp (NM_133378.4); c.74753T>A, p.Val24918Asp (NM_133432.3); c.74954T>A, p.Val24985Asp (NM_133437.4); short protein forms V24918D, V24793D, V24985D, V31290D, V32217D, V33858D.
Identifiers: ClinVar variation 1389718 (VCV001389718.5), dbSNP rs1172459056, ClinGen allele CA349420384.
Genomic context (GRCh38, chr2:178,535,042, plus strand): 5'-AGGTGTAAGATGTTTCTATGCCTAGCAATATTCAGAATGGAAATTTCCTTCTTTACCAAA[A>T]CCTGATCAGTCCCTTTGACTTTAACAAATTTGGCCATGTATGTCTTCTTTGAGGATGTTT-3'
Protein context (NP_001254479.2, residues 33848-33868): KFVKVKGTDQ[Val33858Asp]LVKKEISILN